The following is an entry in ClinVar:

ClinVar aggregate classification (germline): Pathogenic. Review status: criteria provided, single submitter (1 of 4 stars). 2 submissions from 2 submitters: Pathogenic (1). 1 of the submissions does not count toward it. Last evaluated 2022-10-26.

Conditions:
Congenital hyperammonemia, type I. Also called: Carbamoyl phosphate synthetase 1 deficiency; Hyperammonemia due to carbamoyl phosphate synthetase 1 deficiency; CPS 1 deficiency; Carbamyl phosphate synthetase (CPS) deficiency; Carbamoyl-phosphate synthase I deficiency; Carbamoyl phosphate synthetase I deficiency disease. Identifiers: Orphanet 147, MedGen C4082171, MONDO:0009376, OMIM 237300.

Submissions (2):

Labcorp Genetics (formerly Invitae), Labcorp
Classification: Pathogenic for Congenital hyperammonemia, type I. Last evaluated: 2022-10-26. Review status: criteria provided, single submitter. Criteria: Invitae Variant Classification Sherloc (09022015). Collection method: clinical testing. Allele origin: germline.
Comment: This sequence change creates a premature translational stop signal (p.Asn199Phefs*4) in the CPS1 gene. It is expected to result in an absent or disrupted protein product. Loss-of-function variants in CPS1 are known to be pathogenic (PMID: 21120950). This variant is not present in population databases (gnomAD no frequency). This variant has not been reported in the literature in individuals affected with CPS1-related conditions. ClinVar contains an entry for this variant (Variation ID: 554105). For these reasons, this variant has been classified as Pathogenic.

Counsyl
Classification: Likely pathogenic for Congenital hyperammonemia, type I. Last evaluated: 2017-09-26. Review status: no assertion criteria provided. Collection method: clinical testing. Allele origin: unknown. Not counted in ClinVar's aggregate classification.

Literature cited by the submitters: PubMed 21120950 (cited by Labcorp Genetics (formerly Invitae), Labcorp).

NM_001875.5(CPS1):c.594_595del (p.Asn199fs)

Gene: CPS1 (carbamoyl-phosphate synthase 1; plus strand). Cytogenetic location: 2q34.
Variant type: Deletion.
Coding change: c.594_595del on transcript NM_001875.5 (MANE Select); coding-DNA positions 594 to 595, 2 bases deleted (GA; older notation c.594_595delGA).
Protein change: p.Asn199fs; shifts the reading frame from asparagine 199.
Molecular consequence: frameshift variant. On other transcripts: non-coding transcript variant (1).
Genome position (GRCh38, 1-based): chr2:210,582,682-210,582,683, GA deleted; deleting any 2 consecutive bases within chr2:210,582,681-210,582,683 gives the same sequence; the c. name uses the placement nearest the transcript's 3' end. VCF-style (leftmost placement, unchanged base first): chr2-210582680-CAG-C. GRCh37 (hg19) VCF-style: chr2-211447404-CAG-C.
Other names: c.594_595del (LRG_336t1); c.594_595del, p.Asn199fs (NM_001122633.3, NM_001369257.1); c.627_628del, p.Asn210fs (NM_001369256.1); short protein forms N199fs, N210fs.
Identifiers: ClinVar variation 554105 (VCV000554105.6), dbSNP rs1553509924, ClinGen allele CA658821289.